The following is an entry in ClinVar:

ClinVar aggregate classification (germline): Uncertain significance. Review status: criteria provided, multiple submitters, no conflicts (2 of 4 stars). 2 submissions from 2 submitters: Uncertain significance (2). Last evaluated 2023-12-13.

Conditions:
Epileptic encephalopathy. Identifiers: MedGen C0543888, HP:0200134.

Allele frequency attached by ClinVar (database versions not stated): gnomAD 0.00003; gnomAD exomes 0.00004 and 0.00001; TOPMed 0.00001.
gnomAD v4.1: 22 of 1,565,146 alleles (0.0014%); highest among the groups gnomAD compares: Admixed American, 0.013%; no homozygotes.

Submissions (2):

Ambry Genetics
Classification: Uncertain significance. Last evaluated: 2023-12-13. Review status: criteria provided, single submitter. Criteria: Ambry Variant Classification Scheme 2023. Collection method: clinical testing. Allele origin: germline.

Labcorp Genetics (formerly Invitae), Labcorp
Classification: Uncertain significance for Epileptic encephalopathy. Last evaluated: 2022-06-03. Review status: criteria provided, single submitter. Criteria: Invitae Variant Classification Sherloc (09022015). Collection method: clinical testing. Allele origin: germline.
Comment: This variant is present in population databases (no rsID available, gnomAD 0.02%). This sequence change replaces aspartic acid, which is acidic and polar, with asparagine, which is neutral and polar, at codon 1291 of the FASN protein (p.Asp1291Asn). This variant has not been reported in the literature in individuals affected with FASN-related conditions. In summary, the available evidence is currently insufficient to determine the role of this variant in disease. Therefore, it has been classified as a Variant of Uncertain Significance. Algorithms developed to predict the effect of missense changes on protein structure and function output the following: SIFT: "Tolerated"; PolyPhen-2: "Benign"; Align-GVGD: "Class C0". The asparagine amino acid residue is found in multiple mammalian species, which suggests that this missense change does not adversely affect protein function. ClinVar contains an entry for this variant (Variation ID: 862814).

NM_004104.5(FASN):c.3871G>A (p.Asp1291Asn)

Gene: FASN (fatty acid synthase; minus strand). Cytogenetic location: 17q25.3.
Variant type: single nucleotide variant.
Coding change: c.3871G>A on transcript NM_004104.5 (MANE Select); coding-DNA position 3871, G replaced by A.
Protein change: p.Asp1291Asn; replaces aspartic acid 1291 with asparagine.
Molecular consequence: missense variant.
Genome position (GRCh38, 1-based): chr17:82,085,733, C>T on the plus strand (G>A on the coding strand, the complement: FASN is on the minus strand). VCF-style: chr17-82085733-C-T. GRCh37 (hg19) VCF-style: chr17-80043609-C-T.
Other names: short protein forms D1291N.
Identifiers: ClinVar variation 862814 (VCV000862814.10), dbSNP rs1220922089, ClinGen allele CA401549903.